The following is an entry in ClinVar:

ClinVar aggregate classification (germline): Uncertain significance. Review status: criteria provided, multiple submitters, no conflicts (2 of 4 stars). 2 submissions from 2 submitters: Uncertain significance (2). Last evaluated 2022-12-20.

Conditions:
Inborn genetic diseases. Identifiers: MedGen C0950123, MeSH D030342.

gnomAD v4.1: 1 of 1,614,134 alleles (0.000062%); no homozygotes.

Submissions (2):

Labcorp Genetics (formerly Invitae), Labcorp
Classification: Uncertain significance. Last evaluated: 2022-12-20. Review status: criteria provided, single submitter. Criteria: Invitae Variant Classification Sherloc (09022015). Collection method: clinical testing. Allele origin: germline.
Comment: This sequence change replaces glutamic acid, which is acidic and polar, with glycine, which is neutral and non-polar, at codon 2705 of the VCAN protein (p.Glu2705Gly). In summary, the available evidence is currently insufficient to determine the role of this variant in disease. Therefore, it has been classified as a Variant of Uncertain Significance. Algorithms developed to predict the effect of missense changes on protein structure and function (SIFT, PolyPhen-2, Align-GVGD) all suggest that this variant is likely to be disruptive. This variant has not been reported in the literature in individuals affected with VCAN-related conditions. This variant is not present in population databases (gnomAD no frequency).

Ambry Genetics
Classification: Uncertain significance for Inborn genetic diseases. Last evaluated: 2022-07-19. Review status: criteria provided, single submitter. Criteria: Ambry Variant Classification Scheme 2023. Collection method: clinical testing. Allele origin: germline.

NM_004385.5(VCAN):c.8114A>G (p.Glu2705Gly)

Genes: VCAN (versican; plus strand), VCAN-AS1 (VCAN antisense RNA 1; minus strand). Cytogenetic location: 5q14.3.
Variant type: single nucleotide variant.
Coding change: c.8114A>G on transcript NM_004385.5 (MANE Select); coding-DNA position 8114, A replaced by G.
Protein change: p.Glu2705Gly; replaces glutamic acid 2705 with glycine.
Molecular consequence: missense variant. On other transcripts: intron variant (2).
Genome position (GRCh38, 1-based): chr5:83,541,117, A>G. VCF-style: chr5-83541117-A-G. GRCh37 (hg19) VCF-style: chr5-82836936-A-G.
Other names: c.8114A>G (NM_004385.4); c.5153A>G, p.Glu1718Gly (NM_001164097.2); c.4004-4420A>G (NM_001164098.2); c.1043-4420A>G (NM_001126336.3); short protein forms E1718G, E2705G.
Identifiers: ClinVar variation 2968714 (VCV002968714.4), dbSNP rs2479122160, ClinGen allele CA360316206.
Genomic context (GRCh38, chr5:83,541,117, plus strand): 5'-TTTTACTTCCCACGGCAACATCCCTGCCAATTCCTCGTAAGTCTGCCACAGTTATTCCAG[A>G]GATTGAAGGAATAAAAGCTGAAGCAAAAGCCCTGGATGACATGTTTGAATCAAGCACTTT-3'
Protein context (NP_004376.2, residues 2695-2715): IPRKSATVIP[Glu2705Gly]IEGIKAEAKA